The following is an entry in ClinVar:

NM_025137.4(SPG11):c.530T>C (p.Ile177Thr)

Gene: SPG11 (SPG11 vesicle trafficking associated, spatacsin; minus strand). Cytogenetic location: 15q21.1.
Variant type: single nucleotide variant.
Coding change: c.530T>C on transcript NM_025137.4 (MANE Select); coding-DNA position 530, T replaced by C.
Protein change: p.Ile177Thr; replaces isoleucine 177 with threonine.
Molecular consequence: missense variant.
Genome position (GRCh38, 1-based): chr15:44,659,216, A>G on the plus strand (T>C on the coding strand, the complement: SPG11 is on the minus strand). VCF-style: chr15-44659216-A-G. GRCh37 (hg19) VCF-style: chr15-44951414-A-G.
Other names: c.530T>C, p.Ile177Thr (NM_001160227.2, NM_001411132.1); short protein forms I177T.
Identifiers: ClinVar variation 1716997 (VCV001716997.5), dbSNP rs2505769361, ClinGen allele CA392237856.

ClinVar aggregate classification (germline): Uncertain significance (1 of 4 stars; one submission).

Conditions:
Hereditary spastic paraplegia 11. Also called: Nakamura Osame syndrome; Autosomal recessive hereditary spastic paraplegia, mental impairment, and thin corpus callosum; Spastic paraplegia, mental retardation and thin corpus callosum; SPASTIC PARAPLEGIA, AUTOSOMAL RECESSIVE, COMPLICATED, WITH THIN CORPUS CALLOSUM; SPASTIC PARAPLEGIA, AUTOSOMAL RECESSIVE, WITH MENTAL IMPAIRMENT AND THIN CORPUS CALLOSUM; Spastic Paraplegia 11. Identifiers: Orphanet 2822, MedGen C1858479, MONDO:0011445, OMIM 604360.

Submission:

Labcorp Genetics (formerly Invitae), Labcorp
Classification: Uncertain significance for Hereditary spastic paraplegia 11. Last evaluated: 2024-06-03. Review status: criteria provided, single submitter. Criteria: Invitae Variant Classification Sherloc (09022015). Collection method: clinical testing. Allele origin: germline.
Comment: This sequence change replaces isoleucine, which is neutral and non-polar, with threonine, which is neutral and polar, at codon 177 of the SPG11 protein (p.Ile177Thr). This variant is not present in population databases (gnomAD no frequency). This variant has not been reported in the literature in individuals affected with SPG11-related conditions. ClinVar contains an entry for this variant (Variation ID: 1716997). Algorithms developed to predict the effect of missense changes on protein structure and function output the following: SIFT: "Not Available"; PolyPhen-2: "Benign"; Align-GVGD: "Not Available". The threonine amino acid residue is found in multiple mammalian species, which suggests that this missense change does not adversely affect protein function. In summary, the available evidence is currently insufficient to determine the role of this variant in disease. Therefore, it has been classified as a Variant of Uncertain Significance.